The following is an entry in ClinVar:

ClinVar aggregate classification (germline): Uncertain significance. Review status: criteria provided, multiple submitters, no conflicts (2 of 4 stars). 3 submissions from 3 submitters: Uncertain significance (3). Last evaluated 2025-06-06.

Conditions:
Inborn genetic diseases. Identifiers: MedGen C0950123, MeSH D030342.
UDPglucose-4-epimerase deficiency. Also called: Galactose epimerase deficiency; GALACTOSEMIA III; GALE DEFICIENCY; Epimerase Deficiency Galactosemia; UDP-GALACTOSE-4-EPIMERASE DEFICIENCY; UDPglucose 4-Epimerase Deficiency Disease. Identifiers: Orphanet 352, Orphanet 79238, MedGen C0751161, MONDO:0009257, OMIM 230350.

Allele frequency attached by ClinVar (database versions not stated): gnomAD exomes below 0.00001; ExAC 0.00001; TOPMed 0.00002; gnomAD 0.00003.
gnomAD v4.1: 13 of 1,613,294 alleles (0.00081%); highest among the groups gnomAD compares: Admixed American, 0.0067%; no homozygotes.

Submissions (3):

Ambry Genetics
Classification: Uncertain significance for Inborn genetic diseases. Last evaluated: 2025-06-06. Review status: criteria provided, single submitter. Criteria: Ambry Variant Classification Scheme 2023. Collection method: clinical testing. Allele origin: germline.

Women's Health and Genetics/Laboratory Corporation of America, LabCorp
Classification: Uncertain significance. Last evaluated: 2022-06-07. Review status: criteria provided, single submitter. Criteria: LabCorp Variant Classification Summary - May 2015. Collection method: clinical testing. Allele origin: germline.
Comment: Variant summary: GALE c.652G>A (p.Gly218Arg) results in a non-conservative amino acid change located in the NAD(P)-binding domain (IPR016040) of the encoded protein sequence. Five of five in-silico tools predict a damaging effect of the variant on protein function. The variant allele was found at a frequency of 4e-06 in 249044 control chromosomes (gnomAD). The available data on variant occurrences in the general population are insufficient to allow any conclusion about variant significance. To our knowledge, no occurrence of c.652G>A in individuals affected with UDPglucose-4-Epimerase Deficiency and no experimental evidence demonstrating its impact on protein function have been reported. One ClinVar submitter has assessed the variant since 2014: the variant was classified as of uncertain significance. Based on the evidence outlined above, the variant was classified as uncertain significance.

Labcorp Genetics (formerly Invitae), Labcorp
Classification: Uncertain significance for UDPglucose-4-epimerase deficiency. Last evaluated: 2021-09-01. Review status: criteria provided, single submitter. Criteria: Invitae Variant Classification Sherloc (09022015). Collection method: clinical testing. Allele origin: germline.
Comment: This sequence change replaces glycine with arginine at codon 218 of the GALE protein (p.Gly218Arg). The glycine residue is highly conserved and there is a moderate physicochemical difference between glycine and arginine. This variant is present in population databases (rs747453873, ExAC 0.01%). This variant has not been reported in the literature in individuals affected with GALE-related conditions. Algorithms developed to predict the effect of missense changes on protein structure and function (SIFT, PolyPhen-2, Align-GVGD) all suggest that this variant is likely to be disruptive. In summary, the available evidence is currently insufficient to determine the role of this variant in disease. Therefore, it has been classified as a Variant of Uncertain Significance.

NM_001008216.2(GALE):c.652G>A (p.Gly218Arg)

Gene: GALE (UDP-galactose-4-epimerase; minus strand). Cytogenetic location: 1p36.11.
Variant type: single nucleotide variant.
Coding change: c.652G>A on transcript NM_001008216.2 (MANE Select); coding-DNA position 652, G replaced by A.
Protein change: p.Gly218Arg; replaces glycine 218 with arginine.
Molecular consequence: missense variant.
Genome position (GRCh38, 1-based): chr1:23,796,933, C>T on the plus strand (G>A on the coding strand, the complement: GALE is on the minus strand). VCF-style: chr1-23796933-C-T. GRCh37 (hg19) VCF-style: chr1-24123423-C-T.
Other names: c.652G>A, p.Gly218Arg (NM_000403.4, NM_001127621.2); short protein forms G218R.
Identifiers: ClinVar variation 1443022 (VCV001443022.7), dbSNP rs747453873, ClinGen allele CA685584.